The following is an entry in ClinVar:

ClinVar aggregate classification (germline): Uncertain significance (1 of 4 stars; one submission).

Conditions:
Myopathy with tubular aggregates (TAM). Also called: Tubular Aggregate Myopathy. Identifiers: Orphanet 2593, MedGen C0410207, MONDO:0008051.
Stormorken syndrome (STRMK). Also called: THROMBOCYTOPATHY, ASPLENIA, AND MIOSIS. Identifiers: Orphanet 3204, MedGen C1861451, MONDO:0008497, OMIM 185070.
Combined immunodeficiency due to STIM1 deficiency. Also called: IMMUNODEFICIENCY 10; STIM1 DEFICIENCY. Identifiers: Orphanet 169090, Orphanet 317430, MedGen C2748557, MONDO:0013008, OMIM 612783.

Submission:

Labcorp Genetics (formerly Invitae), Labcorp
Classification: Uncertain significance for Myopathy with tubular aggregates; Combined immunodeficiency due to STIM1 deficiency; Stormorken syndrome. Last evaluated: 2020-02-14. Review status: criteria provided, single submitter. Criteria: Invitae Variant Classification Sherloc (09022015). Collection method: clinical testing. Allele origin: germline.
Comment: This sequence change replaces leucine with serine at codon 251 of the STIM1 protein (p.Leu251Ser). The leucine residue is highly conserved and there is a large physicochemical difference between leucine and serine. This variant is not present in population databases (ExAC no frequency). This variant has not been reported in the literature in individuals with STIM1-related conditions. This variant has been reported to affect STIM1 protein function (PMID: 29237733, 26184105, 27239559, 23851458). In summary, the available evidence is currently insufficient to determine the role of this variant in disease. Therefore, it has been classified as a Variant of Uncertain Significance.

Literature cited by the submitters: PubMed 29237733; PubMed 26184105; PubMed 27239559; PubMed 23851458.

NM_001382567.1(STIM1):c.752T>C (p.Leu251Ser)

Gene: STIM1 (stromal interaction molecule 1; plus strand). Cytogenetic location: 11p15.4.
Variant type: single nucleotide variant.
Coding change: c.752T>C on transcript NM_001382567.1 (MANE Select); coding-DNA position 752, T replaced by C.
Protein change: p.Leu251Ser; replaces leucine 251 with serine.
Molecular consequence: missense variant. On other transcripts: non-coding transcript variant (2).
Genome position (GRCh38, 1-based): chr11:4,070,164, T>C. VCF-style: chr11-4070164-T-C. GRCh37 (hg19) VCF-style: chr11-4091394-T-C.
Other names: c.752T>C, p.Leu251Ser (NM_001277961.3, NM_001277962.2, NM_001382568.1 and 2 more transcripts); c.530T>C, p.Leu177Ser (NM_001382566.1, NM_001382573.1, NM_001382574.1 and 5 more transcripts); c.617T>C, p.Leu206Ser (NM_001382569.1); c.524T>C, p.Leu175Ser (NM_001382570.1); c.272T>C, p.Leu91Ser (NM_001382571.1); c.263T>C, p.Leu88Ser (NM_001382580.1, NM_001382581.1); short protein forms L177S, L88S, L206S, L175S, L251S, L91S.
Identifiers: ClinVar variation 935049 (VCV000935049.10), dbSNP rs2094395092, ClinGen allele CA379189156.